The following is an entry in ClinVar:

NM_006516.4(SLC2A1):c.1367A>C (p.Lys456Thr)

Gene: SLC2A1 (solute carrier family 2 member 1; minus strand). Cytogenetic location: 1p34.2.
Variant type: single nucleotide variant.
Coding change: c.1367A>C on transcript NM_006516.4 (MANE Select); coding-DNA position 1367, A replaced by C.
Protein change: p.Lys456Thr; replaces lysine 456 with threonine.
Molecular consequence: missense variant.
Genome position (GRCh38, 1-based): chr1:42,927,153, T>G on the plus strand (A>C on the coding strand, the complement: SLC2A1 is on the minus strand). VCF-style: chr1-42927153-T-G. GRCh37 (hg19) VCF-style: chr1-43392824-T-G.
Other names: short protein forms K456T.
Identifiers: ClinVar variation 2498016 (VCV002498016.1), dbSNP rs2524982180, ClinGen allele CA339953149.

ClinVar aggregate classification (germline): Uncertain significance (1 of 4 stars; one submission).

Submission:

GeneDx
Classification: Uncertain significance. Last evaluated: 2022-10-05. Review status: criteria provided, single submitter. Criteria: GeneDx Variant Classification Process June 2021. Collection method: clinical testing. Allele origin: germline. Affected: yes.
Comment: Not observed at significant frequency in large population cohorts (gnomAD); In silico analysis supports that this missense variant has a deleterious effect on protein structure/function; Has not been previously published as pathogenic or benign to our knowledge